The following is an entry in ClinVar:

ClinVar aggregate classification (germline): Likely benign. Review status: criteria provided, multiple submitters, no conflicts (2 of 4 stars). 4 submissions from 2 submitters: Likely benign (4). Last evaluated 2022-08-09.

Conditions:
Orofacial cleft 8. Also called: Cleft lip with or without cleft palate, nonsyndromic, 8. Identifiers: MedGen C1851878, MONDO:0029145, OMIM 618149.
Ectrodactyly, ectodermal dysplasia, and cleft lip-palate syndrome 3. Also called: Ectrodactyly, Ectodermal Dysplasia, Clefting Syndrome; EEC SYNDROME 3; Ectrodactyly, Ectodermal Dysplasia, Clefting Syndrome Type 3 (EEC3); Ectrodactyly, Ectodermal Dysplasia, Cleft Lip/Palate Syndrome 3 (EEC3). Identifiers: Orphanet 1896, MedGen C1858562, MONDO:0011428, OMIM 604292.
TP63-Related Spectrum Disorders.

Allele frequency attached by ClinVar (database versions not stated): TOPMed 0.00002; ExAC 0.00004; gnomAD exomes 0.00004; gnomAD 0.00006; 1000 Genomes Project 30x 0.00016; 1000 Genomes Project 0.00020.
gnomAD v4.1: 41 of 1,614,042 alleles (0.0025%); highest among the groups gnomAD compares: East Asian, 0.089%; no homozygotes.

Submissions (4):

Labcorp Genetics (formerly Invitae), Labcorp
Classification: Likely benign. Last evaluated: 2022-08-09. Review status: criteria provided, single submitter. Criteria: Invitae Variant Classification Sherloc (09022015). Collection method: clinical testing. Allele origin: germline.

Illumina Laboratory Services, Illumina
Classification: Likely benign for Ectrodactyly, ectodermal dysplasia, and cleft lip-palate syndrome 3. Last evaluated: 2017-04-27. Review status: criteria provided, single submitter. Criteria: ICSL Variant Classification Criteria 13 December 2019. Collection method: clinical testing. Allele origin: germline.
Comment: This variant was observed as part of a predisposition screen in an ostensibly healthy population. A literature search was performed for the gene, cDNA change, and amino acid change (where applicable). No publications were found based on this search. Allele frequency data from public databases allowed determination this variant is unlikely to cause disease. Therefore, this variant is classified as likely benign.

Illumina Laboratory Services, Illumina
Classification: Likely benign for Orofacial cleft 8. Last evaluated: 2017-04-27. Review status: criteria provided, single submitter. Criteria: ICSL Variant Classification Criteria 13 December 2019. Collection method: clinical testing. Allele origin: germline.
Comment: the same text as in the submission from Illumina Laboratory Services, Illumina above.

Illumina Laboratory Services, Illumina
Classification: Likely benign for TP63-Related Spectrum Disorders. Last evaluated: 2017-04-27. Review status: criteria provided, single submitter. Criteria: ICSL Variant Classification Criteria 13 December 2019. Collection method: clinical testing. Allele origin: germline.
Comment: the same text as in the submission from Illumina Laboratory Services, Illumina above.

NM_003722.5(TP63):c.1707G>A (p.Gly569=)

Gene: TP63 (tumor protein p63; plus strand). Cytogenetic location: 3q28.
Variant type: single nucleotide variant.
Coding change: c.1707G>A on transcript NM_003722.5 (MANE Select); coding-DNA position 1707, G replaced by A.
Protein change: p.Gly569=; no amino-acid change (glycine 569 retained).
Molecular consequence: synonymous variant. On other transcripts: intron variant (6).
Genome position (GRCh38, 1-based): chr3:189,890,843, G>A. VCF-style: chr3-189890843-G-A. GRCh37 (hg19) VCF-style: chr3-189608632-G-A.
Other names: c.1425G>A, p.Gly475= (NM_001114980.2); c.1170G>A, p.Gly390= (NM_001329146.2); c.1695G>A, p.Gly565= (NM_001329148.2); c.1701G>A, p.Gly567= (NM_001329964.2); c.1652+1359G>A (NM_001114978.2); c.1508-3363G>A (NM_001329144.2); c.1370+1359G>A (NM_001114981.2); c.1226-3363G>A (NM_001329145.2); and 2 more.
Identifiers: ClinVar variation 344390 (VCV000344390.12), dbSNP rs202009057, ClinGen allele CA2752556.
Genomic context (GRCh38, chr3:189,890,843, plus strand): 5'-CTGCAGTTTCTTAGCGAGGTTGGGCTGTTCATCATGTCTGGACTATTTCACGACCCAGGG[G>A]CTGACCACCATCTATCAGATTGAGCATTACTCCATGGATGTAAGTAACTGTTAGACTTTT-3'
Protein context (NP_003713.3, residues 559-579): SSCLDYFTTQ[Gly569=]LTTIYQIEHY